The following is an entry in ClinVar:

ClinVar aggregate classification (germline): Uncertain significance (1 of 4 stars; one submission).

Conditions:
Immunodeficiency 47 (IMD47). Also called: IMMUNODEFICIENCY AND HEPATOPATHY WITH OR WITHOUT NEUROLOGIC FEATURES. Identifiers: Orphanet 692790, MedGen C4310819, MONDO:0010504, OMIM 300972.

Submission:

3billion
Classification: Uncertain significance for Immunodeficiency 47. Last evaluated: 2023-02-23. Review status: criteria provided, single submitter. Criteria: ACMG Guidelines, 2015. Collection method: clinical testing. Allele origin: unknown. Affected: yes.
Comment: The variant is not observed in the gnomAD v2.1.1 dataset. Missense changes are a common disease-causing mechanism. In silico tool predictions suggest damaging effect of the variant on gene or gene product (REVEL: 0.65; 3Cnet: 0.09). Therefore, this variant is classified as VUS according to the recommendation of ACMG/AMP guideline.

NM_001183.6(ATP6AP1):c.385T>C (p.Ser129Pro)

Gene: ATP6AP1 (ATPase H+ transporting accessory protein 1; plus strand). Cytogenetic location: Xq28.
Variant type: single nucleotide variant.
Coding change: c.385T>C on transcript NM_001183.6 (MANE Select); coding-DNA position 385, T replaced by C.
Protein change: p.Ser129Pro; replaces serine 129 with proline.
Molecular consequence: missense variant.
Genome position (GRCh38, 1-based): chrX:154,432,287, T>C. VCF-style: chrX-154432287-T-C. GRCh37 (hg19) VCF-style: chrX-153660633-T-C.
Other names: short protein forms S129P.
Identifiers: ClinVar variation 2444113 (VCV002444113.1), dbSNP rs2523017472, ClinGen allele CA415189287.